The following is an entry in ClinVar:

NM_001394062.1(MACF1):c.2332A>G (p.Lys778Glu)

Gene: MACF1 (microtubule actin crosslinking factor 1; plus strand). Cytogenetic location: 1p34.3.
Variant type: single nucleotide variant.
Coding change: c.2332A>G on transcript NM_001394062.1 (MANE Select); coding-DNA position 2332, A replaced by G.
Protein change: p.Lys778Glu; replaces lysine 778 with glutamic acid.
Molecular consequence: missense variant.
Genome position (GRCh38, 1-based): chr1:39,295,859, A>G. VCF-style: chr1-39295859-A-G. GRCh37 (hg19) VCF-style: chr1-39761531-A-G.
Other names: c.2347A>G, p.Lys783Glu (NM_012090.5); short protein forms K778E, K783E.
Identifiers: ClinVar variation 4990366 (VCV004990366.1).

ClinVar aggregate classification (germline): Uncertain significance (1 of 4 stars; one submission).

Conditions:
MACF1-related disorder. Also called: MACF1-related condition.

Submission:

PreventionGenetics, part of Exact Sciences
Classification: Uncertain significance for MACF1-related condition. Last evaluated: 2026-04-03. Review status: criteria provided, single submitter. Criteria: ACMG Guidelines, 2015. Collection method: clinical testing. Allele origin: germline.
Comment: The MACF1 c.2347A>G variant is predicted to result in the amino acid substitution p.Lys783Glu. To our knowledge, this variant has not been reported in the literature or in a large population database (gnomAD), indicating this variant is rare. At this time, the clinical significance of this variant is uncertain due to the absence of conclusive functional and genetic evidence.